The following is an entry in ClinVar:

ClinVar aggregate classification (germline): Uncertain significance (1 of 4 stars; one submission).

gnomAD v4.1: 1 of 1,600,550 alleles (0.000062%); highest among the groups gnomAD compares: Non-Finnish European, 0.000085%; no homozygotes.

Submission:

CeGaT Center for Human Genetics Tuebingen
Classification: Uncertain significance. Last evaluated: 2025-08-01. Review status: criteria provided, single submitter. Criteria: CeGaT Center For Human Genetics Tuebingen Variant Classification Criteria Version 2. Collection method: clinical testing. Allele origin: germline. Affected: yes. Observed: 1 variant allele.
Comment: MAFB: PM2

NM_005461.5(MAFB):c.401A>C (p.His134Pro)

Gene: MAFB (MAF bZIP transcription factor B; minus strand). Cytogenetic location: 20q12.
Variant type: single nucleotide variant.
Coding change: c.401A>C on transcript NM_005461.5 (MANE Select); coding-DNA position 401, A replaced by C.
Protein change: p.His134Pro; replaces histidine 134 with proline.
Molecular consequence: missense variant.
Genome position (GRCh38, 1-based): chr20:40,688,450, T>G on the plus strand (A>C on the coding strand, the complement: MAFB is on the minus strand). VCF-style: chr20-40688450-T-G. GRCh37 (hg19) VCF-style: chr20-39317090-T-G.
Other names: short protein forms H134P.
Identifiers: ClinVar variation 4085827 (VCV004085827.8).